The following is an entry in ClinVar:

NM_000077.5(CDKN2A):c.151G>A (p.Val51Ile)

Gene: CDKN2A (cyclin dependent kinase inhibitor 2A; minus strand). Cytogenetic location: 9p21.3.
Variant type: single nucleotide variant.
Coding change: c.151G>A on transcript NM_000077.5; coding-DNA position 151, G replaced by A.
Protein change: p.Val51Ile; replaces valine 51 with isoleucine.
Molecular consequence: missense variant (on NM_000077.6). On other transcripts: 5 prime UTR variant (1), 3 prime UTR variant (1).
Genome position (GRCh38, 1-based): chr9:21,971,208, C>T on the plus strand (G>A on the coding strand, the complement: CDKN2A is on the minus strand). VCF-style: chr9-21971208-C-T. GRCh37 (hg19) VCF-style: chr9-21971207-C-T.
Other names: c.151G>A, p.Val51Ile (NM_000077.6, NM_001195132.2); c.-3G>A (NM_001363763.2); c.194G>A, p.Gly65Asp (NM_058195.4); c.*74G>A (NM_058197.5); short protein forms G65D, V51I.
Identifiers: ClinVar variation 463485 (VCV000463485.18), dbSNP rs762630679, ClinGen allele CA5012220.

ClinVar aggregate classification (germline): Uncertain significance. Review status: criteria provided, multiple submitters, no conflicts (2 of 4 stars). 5 submissions from 5 submitters: Uncertain significance (5). Last evaluated 2025-06-27.

Conditions:
Hereditary cancer-predisposing syndrome. Also called: Hereditary neoplastic syndrome; Neoplastic Syndromes, Hereditary; Hereditary Cancer Syndrome; Tumor predisposition. Identifiers: Orphanet 140162, MedGen C0027672, MeSH D009386, MONDO:0015356.
Familial melanoma. Also called: Hereditary melanoma; Hereditary cutaneous melanoma. Identifiers: Orphanet 618, MedGen C1512419, MONDO:0018961.

Allele frequency attached by ClinVar (database versions not stated): TOPMed 0.00001; gnomAD 0.00002.
gnomAD v4.1: 7 of 1,597,372 alleles (0.00044%); highest among the groups gnomAD compares: African/African-American, 0.0094%; no homozygotes.

Submissions (5):

Ambry Genetics
Classification: Uncertain significance for Hereditary cancer-predisposing syndrome. Last evaluated: 2025-06-27. Review status: criteria provided, single submitter. Criteria: Ambry Variant Classification Scheme 2023. Collection method: clinical testing. Allele origin: germline.
Comment: The p.V51I variant (also known as c.151G>A) is located in coding exon 2 of the CDKN2A gene. The valine at codon 51 is replaced by isoleucine, an amino acid with highly similar properties. This change occurs in the first base pair of coding exon 2. This amino acid position is highly conserved in available vertebrate species. In addition, this alteration is predicted to be deleterious by in silico analysis. Based on the available evidence, the clinical significance of this variant remains unclear.

Labcorp Genetics (formerly Invitae), Labcorp
Classification: Uncertain significance for Familial melanoma. Last evaluated: 2025-05-15. Review status: criteria provided, single submitter. Criteria: Invitae Variant Classification Sherloc (09022015). Collection method: clinical testing. Allele origin: germline.
Comment: The CDKN2A gene encodes two different proteins, p16INK4a and p14ARF, which are translated from alternative transcripts with different open reading frames. Both transcripts have been analyzed. We report either the variant with the higher classification or default to the CDKN2A (p16INK4a) variant. This report therefore includes the details for the CDKN2A (p16INK4a) variant. This sequence change replaces valine, which is neutral and non-polar, with isoleucine, which is neutral and non-polar, at codon 51 of the CDKN2A (p16INK4a) protein (p.Val51Ile). The frequency data for this variant in the population databases is considered unreliable, as metrics indicate poor data quality at this position in the gnomAD database. This variant has not been reported in the literature in individuals affected with CDKN2A (p16INK4a)-related conditions. This variant is also known as c.194G>A (p.Gly65Asp) in the CDKN2A (p14ARF) transcript. ClinVar contains an entry for this variant (Variation ID: 463485). An algorithm developed to predict the effect of missense changes on protein structure and function (PolyPhen-2) suggests that this variant is likely to be disruptive. In summary, the available evidence is currently insufficient to determine the role of this variant in disease. Therefore, it has been classified as a Variant of Uncertain Significance.

Center for Genomic Medicine, Rigshospitalet, Copenhagen University Hospital
Classification: Uncertain significance. Last evaluated: 2025-03-04. Review status: criteria provided, single submitter. Criteria: ACMG Guidelines, 2015. Collection method: clinical testing. Allele origin: germline.

Color Diagnostics, LLC DBA Color Health
Classification: Uncertain significance for Hereditary cancer-predisposing syndrome. Last evaluated: 2020-03-11. Review status: criteria provided, single submitter. Criteria: ACMG Guidelines, 2015. Collection method: clinical testing. Allele origin: germline.
Comment: This missense variant replaces valine with isoleucine at codon 51 of the CDKN2A (p16INK4A) protein. Computational prediction suggests that this variant may have deleterious impact on protein structure and function (internally defined REVEL score threshold >= 0.7, PMID: 27666373). Splice site prediction tools suggest that this variant may not impact RNA splicing. To our knowledge, functional studies have not been reported for this variant. This variant has not been reported in individuals affected with hereditary cancer in the literature. This variant has been identified in 1/220322 chromosomes in the general population by the Genome Aggregation Database (gnomAD). The available evidence is insufficient to determine the role of this variant in disease conclusively. Therefore, this variant is classified as a Variant of Uncertain Significance.

Women's Health and Genetics/Laboratory Corporation of America, LabCorp
Classification: Uncertain significance. Last evaluated: 2019-02-27. Review status: criteria provided, single submitter. Criteria: LabCorp Variant Classification Summary - May 2015. Collection method: clinical testing. Allele origin: germline.
Comment: Variant summary: The CDKN2A gene encodes multiple alternative transcripts, coding for different proteins; the most well-studied are the p16 (INK4A) and the p14 (ARF) proteins. In p16 (INK4A) the variant results in c.151G>A (p.Val51Ile), causing a conservative amino acid change located in the Ankyrin repeat-containing domain with four of five in-silico tools predict a damaging effect of the variant on protein function. Alternatively, in p14 (ARF) this nucleotide change results in the formation of c.194G>A (p.Gly65Asp). An in silico study predicted that the variant has a benign effect for p16 and is possibly damaging for ARF (Yang 2005). In addition, this variant is located at the first 5' position in exon 2: 5/5 computational tools predict no significant impact on normal splicing. However, these predictions have yet to be confirmed by functional studies. The variant allele was found at a frequency of 4.5e-06 in 220322 control chromosomes (gnomAD). The available data on variant occurrences in the general population are insufficient to allow any conclusion about variant significance. c.151G>A has been reported in the literature as a somatic variant in various tumors (e.g. Ohta 1996, COSMIC database, Jauhri_2016). However, these report(s) do not provide unequivocal conclusions about association of the germline variant with Cutaneous Malignant Melanoma. At least one publication reports experimental evidence evaluating an impact on protein function, demonstrating that the variant had no damaging effect on the mouse homologue of the p16 protein (i.e. it had similar function to the WT), however, authors did not test the effect of the variant on the other affected protein, p19 ARF (the mouse homologue of p14 ARF) (Zhang 2001). Therefore these data do not allow convincing conclusions about the variant effect. A ClinVar submission from a clinical diagnostic laboratory (evaluation after 2014) cite the variant as uncertain significance. Based on the evidence outlined above, the variant was classified as uncertain significance.

Literature cited by the submitters: PubMed 16354195 (cited by Center for Genomic Medicine, Rigshospitalet, Copenhagen University Hospital and Women's Health and Genetics/Laboratory Corporation of America, LabCorp); PubMed 27568332 (cited by Women's Health and Genetics/Laboratory Corporation of America, LabCorp); PubMed 11113205 (cited by Women's Health and Genetics/Laboratory Corporation of America, LabCorp); PubMed 8631588 (cited by Women's Health and Genetics/Laboratory Corporation of America, LabCorp).